The following is an entry in ClinVar:

ClinVar aggregate classification (germline): Pathogenic (1 of 4 stars; one submission).

Conditions:
VPS13A-related neurodegenerative disease. Also called: ACANTHOCYTOSIS WITH NEUROLOGIC DISORDER; LEVINE-CRITCHLEY SYNDROME; Choreoacanthocytosis; Chorea-acanthocytosis; Choreaacanthocytosis; VPS13A Disease. Identifiers: Orphanet 2388, MedGen C0393576, MONDO:0008695, OMIM 200150.

Submission:

Myriad Genetics, Inc.
Classification: Pathogenic for VPS13A-related neurodegenerative disease. Last evaluated: 2024-05-14. Review status: criteria provided, single submitter. Criteria: Myriad Autosomal Dominant, Autosomal Recessive and X-Linked Classification Criteria (2023). Collection method: clinical testing. Allele origin: unknown.
Comment: NM_033305.2(VPS13A):c.3481_3482ins17(V1161Dfs*18) is expected to be pathogenic in the context of VPS13A disease. This variant is predicted to lead to an abnormal or absent protein product due to the creation of a premature termination codon in VPS13A, a gene where loss-of-function variants are known to be pathogenic. Please note: this variant was assessed in the context of healthy population screening.

NM_033305.3(VPS13A):c.3481_3482insACTGTCTCTTATACACA (p.Val1161fs)

Gene: VPS13A (vacuolar protein sorting 13 homolog A; plus strand). Cytogenetic location: 9q21.2.
Variant type: Insertion.
Coding change: c.3481_3482insACTGTCTCTTATACACA on transcript NM_033305.3 (MANE Select); coding-DNA positions 3481 to 3482, ACTGTCTCTTATACACA inserted.
Protein change: p.Val1161fs; shifts the reading frame from valine 1161.
Molecular consequence: frameshift variant.
Genome position: GRCh38 VCF-style: chr9-77293482-G-GACTGTCTCTTATACACA. GRCh37 (hg19) VCF-style: chr9-79908398-G-GACTGTCTCTTATACACA.
Other names: c.3364_3365insACTGTCTCTTATACACA, p.Val1122fs (NM_001018037.2); c.3481_3482insACTGTCTCTTATACACA, p.Val1161fs (NM_001018038.3, NM_015186.4); short protein forms V1122fs, V1161fs.
Identifiers: ClinVar variation 5011168 (VCV005011168.1).